The following is an entry in ClinVar:

NM_001276270.2(MBD4):c.938_939dup (p.Glu314fs)

Gene: MBD4 (methyl-CpG binding domain 4, DNA glycosylase; minus strand). Cytogenetic location: 3q21.3.
Variant type: Duplication.
Coding change: c.938_939dup on transcript NM_001276270.2 (MANE Select); coding-DNA positions 938 to 939, 2 bases duplicated (AA; older notation c.938_939dupAA).
Protein change: p.Glu314fs; shifts the reading frame from glutamic acid 314.
Molecular consequence: frameshift variant. On other transcripts: intron variant (1).
Genome position (GRCh38, 1-based): chr3:129,436,705-129,436,706, TT duplicated on the plus strand (AA on the coding strand, the reverse complement: MBD4 is on the minus strand); duplicating any 2 consecutive bases within chr3:129,436,705-129,436,714 gives the same sequence; the c. name uses the placement nearest the transcript's 3' end. VCF-style (leftmost placement, unchanged base first): chr3-129436704-C-CTT. GRCh37 (hg19) VCF-style: chr3-129155547-C-CTT.
Other names: c.938_939dup, p.Glu314fs (NM_001276271.2, NM_001276272.2, NM_003925.3); c.247+1102_247+1103dup (NM_001276273.2); short protein forms E314fs.
Identifiers: ClinVar variation 2800545 (VCV002800545.4), dbSNP rs558765093, ClinGen allele CA1401178774.

ClinVar aggregate classification (germline): Pathogenic. Review status: criteria provided, multiple submitters, no conflicts (2 of 4 stars). 2 submissions from 2 submitters: Pathogenic (2). Last evaluated 2026-02-24.

Conditions:
Tumor predisposition syndrome 2 (TPDS2). Also called: MBD4-ASSOCIATED NEOPLASIA SYNDROME; MBD4-Related Tumor Predisposition Syndrome; MBD4-associated neoplasia syndrome (MANS). Identifiers: Orphanet 661526, MedGen C5774186, MONDO:0859267, OMIM 619975.

Submissions (2):

Myriad Genetics, Inc.
Classification: Pathogenic for Tumor predisposition syndrome 2. Last evaluated: 2026-02-24. Review status: criteria provided, single submitter. Criteria: Myriad Autosomal Dominant, Autosomal Recessive and X-Linked Classification Criteria (2023). Collection method: clinical testing. Allele origin: unknown.
Comment: This variant is considered pathogenic. This variant creates a frameshift predicted to result in premature protein truncation.

Labcorp Genetics (formerly Invitae), Labcorp
Classification: Pathogenic. Last evaluated: 2024-07-25. Review status: criteria provided, single submitter. Criteria: Invitae Variant Classification Sherloc (09022015). Collection method: clinical testing. Allele origin: germline.
Comment: This sequence change creates a premature translational stop signal (p.Glu314Lysfs*5) in the MBD4 gene. It is expected to result in an absent or disrupted protein product. Loss-of-function variants in MBD4 are known to be pathogenic (PMID: 30049810, 35460607). This variant is not present in population databases (gnomAD no frequency). This variant has not been reported in the literature in individuals affected with MBD4-related conditions. For these reasons, this variant has been classified as Pathogenic.

Literature cited by the submitters: PubMed 30049810 (cited by Labcorp Genetics (formerly Invitae), Labcorp); PubMed 35460607 (cited by Labcorp Genetics (formerly Invitae), Labcorp).